The following is an entry in ClinVar:

ClinVar aggregate classification (germline): Uncertain significance. Review status: criteria provided, multiple submitters, no conflicts (2 of 4 stars). 3 submissions from 3 submitters: Uncertain significance (2). 1 of the submissions does not count toward it. Last evaluated 2023-12-28.

Conditions:
TCF7L2-relatedIntellectual disability.
Inborn genetic diseases. Identifiers: MedGen C0950123, MeSH D030342.

Allele frequency attached by ClinVar (database versions not stated): ExAC 0.00002; gnomAD 0.00002 and 0.00003; gnomAD exomes 0.00002 and 0.00003; TOPMed 0.00003; ESP Exome Variant Server 0.00010.
gnomAD v4.1: 41 of 1,613,102 alleles (0.0025%); highest among the groups gnomAD compares: Non-Finnish European, 0.0033%; no homozygotes.

Submissions (3):

Ambry Genetics
Classification: Uncertain significance for Inborn genetic diseases. Last evaluated: 2023-12-28. Review status: criteria provided, single submitter. Criteria: Ambry Variant Classification Scheme 2023. Collection method: clinical testing. Allele origin: germline.

New York Genome Center
Classification: Uncertain significance for TCF7L2-relatedIntellectual disability. Last evaluated: 2021-12-20. Review status: criteria provided, single submitter. Criteria: NYGC Assertion Criteria 2020. Collection method: clinical testing. Allele origin: germline. Observed: 1 heterozygote. Study: CSER-NYCKidSeq.

Department of Pathology and Laboratory Medicine, Sinai Health System
Classification: Uncertain significance. Review status: no assertion criteria provided. Collection method: clinical testing. Allele origin: unknown. Affected: yes. Study: The Canadian Open Genetics Repository (COGR). Not counted in ClinVar's aggregate classification.
Comment: The TCF7L2 p.Gly133Ser variant was not identified in the literature nor was it identified in ClinVar or LOVD 3.0. The variant was identified in dbSNP (ID: rs368705098) and was identified in control databases in 5 of 248870 chromosomes at a frequency of 0.00002 (Genome Aggregation Database March 6, 2019, v2.1.1). The variant was observed in the following populations: African in 1 of 15430 chromosomes (freq: 0.000065) and European (non-Finnish) in 4 of 112692 chromosomes (freq: 0.000035), but was not observed in the Latino, Ashkenazi Jewish, East Asian, European (Finnish), Other or South Asian populations. The p.Gly133 residue is conserved in mammals and computational analyses (PolyPhen-2, SIFT, AlignGVGD, BLOSUM, MutationTaster) provide inconsistent predictions regarding the impact to the protein; this information is not very predictive of pathogenicity. The variant occurs outside of the splicing consensus sequence and in silico or computational prediction software programs (SpliceSiteFinder, MaxEntScan, NNSPLICE, GeneSplicer) do not predict a difference in splicing. In summary, based on the above information the clinical significance of this variant cannot be determined with certainty at this time. This variant is classified as a variant of uncertain significance.

NM_001367943.1(TCF7L2):c.397G>A (p.Gly133Ser)

Gene: TCF7L2 (transcription factor 7 like 2; plus strand). Cytogenetic location: 10q25.2.
Variant type: single nucleotide variant.
Coding change: c.397G>A on transcript NM_001367943.1 (MANE Select); coding-DNA position 397, G replaced by A.
Protein change: p.Gly133Ser; replaces glycine 133 with serine.
Molecular consequence: missense variant. On other transcripts: intron variant (11).
Genome position (GRCh38, 1-based): chr10:112,964,571, G>A. VCF-style: chr10-112964571-G-A. GRCh37 (hg19) VCF-style: chr10-114724330-G-A.
Other names: c.381+12964G>A (NM_001198530.2, NM_001146283.2, NM_001198525.2 and 8 more transcripts); c.397G>A, p.Gly133Ser (NM_001146274.2, NM_001198531.2, NM_001363501.2); short protein forms G133S.
Identifiers: ClinVar variation 977438 (VCV000977438.5), dbSNP rs368705098, ClinGen allele CA5692812.